The following is an entry in ClinVar:

ClinVar aggregate classification (germline): Pathogenic/Likely pathogenic. Review status: criteria provided, multiple submitters, no conflicts (2 of 4 stars). 5 submissions from 5 submitters: Pathogenic (2); Likely pathogenic (3). Last evaluated 2025-12-30.

Conditions:
Medium-chain acyl-coenzyme A dehydrogenase deficiency (ACADMD). Also called: MCADH DEFICIENCY; MCADD; MCAD Deficiency; ACADM DEFICIENCY; CARNITINE DEFICIENCY SECONDARY TO MEDIUM-CHAIN ACYL-CoA DEHYDROGENASE DEFICIENCY; Medium chain acyl-CoA dehydrogenase deficiency. Identifiers: Orphanet 42, MedGen C0220710, MONDO:0008721, OMIM 201450.

Allele frequency attached by ClinVar (database versions not stated): gnomAD exomes below 0.00001.

Submissions (5):

Natera, Inc.
Classification: Likely pathogenic for Medium Chain Acyl-CoA Dehydrogenase Deficiency. Last evaluated: 2025-12-30. Review status: criteria provided, single submitter. Criteria: Natera Variant Classification Schema (03/2026). Collection method: clinical testing. Allele origin: germline.
Comment: The c.1010A>C variant in ACADM is a missense variant predicted to cause substitution of tyrosine to serine at amino acid 337. This variant is rare in the general population with a frequency below the threshold expected for the associated phenotype(s). This variant has been observed in one or more individuals affected with the associated recessive disease, as either homozygous or compound heterozygous with a second variant (PMID: 23028790, 34539730). Additionally, this variant has been observed to segregate in affected family members (PMID: 23028790). This variant has been identified in one or more affected individuals with a phenotype highly consistent with the associated gene (PMID: 34539730, 23028790). Given the available evidence, this variant is classified as Likely Pathogenic.

Labcorp Genetics (formerly Invitae), Labcorp
Classification: Pathogenic for Medium-chain acyl-coenzyme A dehydrogenase deficiency. Last evaluated: 2025-10-03. Review status: criteria provided, single submitter. Criteria: Invitae Variant Classification Sherloc (09022015). Collection method: clinical testing. Allele origin: germline.
Comment: This sequence change replaces tyrosine, which is neutral and polar, with serine, which is neutral and polar, at codon 337 of the ACADM protein (p.Tyr337Ser). This variant is present in population databases (no rsID available, gnomAD no frequency). This missense change has been observed in individual(s) with medium-chain acyl-coenzyme A dehydrogenase deficiency (PMID: 16763904, 23028790, 34539730). This variant is also known as Y312S. ClinVar contains an entry for this variant (Variation ID: 1067387). Invitae Evidence Modeling of protein sequence and biophysical properties (such as structural, functional, and spatial information, amino acid conservation, physicochemical variation, residue mobility, and thermodynamic stability) indicates that this missense variant is not expected to disrupt ACADM protein function with a negative predictive value of 80%. Experimental studies have shown that this missense change affects ACADM function (PMID: 24966162). For these reasons, this variant has been classified as Pathogenic.

Women's Health and Genetics/Laboratory Corporation of America, LabCorp
Classification: Pathogenic for Medium-chain acyl-coenzyme A dehydrogenase deficiency. Last evaluated: 2023-08-02. Review status: criteria provided, single submitter. Criteria: LabCorp Variant Classification Summary - May 2015. Collection method: clinical testing. Allele origin: germline.
Comment: Variant summary: ACADM c.1010A>C (p.Tyr337Ser) results in a non-conservative amino acid change located in the C-terminal domain (IPR009075) of the encoded protein sequence. Three of five in-silico tools predict a benign effect of the variant on protein function. The variant allele was found at a frequency of 4e-06 in 251418 control chromosomes (gnomAD). c.1010A>C has been reported in the literature in multiple homozygous and compound heterozygous individuals affected with Medium Chain Acyl-CoA Dehydrogenase Deficiency (e.g. Sturm_2012, Rhead_2006, Liu_2021) . These data indicate that the variant is very likely to be associated with disease. Publications also reported experimental evidence evaluating an impact on protein function, and demonstrated that the variant results in ~8.5% of normal activity in both homozygous patients derived cells, and in an in vitro expression system (Koster_2014, Sturm_2012). The following publications have been ascertained in the context of this evaluation (PMID: 23028790, 16763904, 34539730, 24966162). Three submitters have cited clinical-significance assessments for this variant to ClinVar after 2014. All submitters classified the variant as pathogenic/likely pathogenic. Based on the evidence outlined above, the variant was classified as pathogenic.

Baylor Genetics
Classification: Likely pathogenic for Medium-chain acyl-coenzyme A dehydrogenase deficiency. Last evaluated: 2023-04-16. Review status: criteria provided, single submitter. Criteria: ACMG Guidelines, 2015. Collection method: clinical testing. Allele origin: unknown.

Beijing Key Laboratry for Genetics of Birth Defects, Beijing Children's Hospital
Classification: Likely pathogenic for Medium-chain acyl-coenzyme A dehydrogenase deficiency. Last evaluated: 2020-02-28. Review status: criteria provided, single submitter. Criteria: ACMG Guidelines, 2015. Collection method: clinical testing. Allele origin: germline. Affected: yes. Observed: 1 variant allele.

Literature cited by the submitters: PubMed 23028790 (cited by 3 submitters); PubMed 34539730 (cited by 3 submitters); PubMed 16763904 (cited by Labcorp Genetics (formerly Invitae), Labcorp and Women's Health and Genetics/Laboratory Corporation of America, LabCorp); PubMed 24966162 (cited by Labcorp Genetics (formerly Invitae), Labcorp and Women's Health and Genetics/Laboratory Corporation of America, LabCorp).

NM_000016.6(ACADM):c.1010A>C (p.Tyr337Ser)

Gene: ACADM (acyl-CoA dehydrogenase medium chain; plus strand). Cytogenetic location: 1p31.1.
Variant type: single nucleotide variant.
Coding change: c.1010A>C on transcript NM_000016.6 (MANE Select); coding-DNA position 1010, A replaced by C.
Protein change: p.Tyr337Ser; replaces tyrosine 337 with serine.
Molecular consequence: missense variant.
Genome position (GRCh38, 1-based): chr1:75,761,186, A>C. VCF-style: chr1-75761186-A-C. GRCh37 (hg19) VCF-style: chr1-76226871-A-C.
Other names: c.1022A>C, p.Tyr341Ser (NM_001127328.3); c.902A>C, p.Tyr301Ser (NM_001286042.2); c.1109A>C, p.Tyr370Ser (NM_001286043.2); c.443A>C, p.Tyr148Ser (NM_001286044.2); c.1010A>C (NM_000016.5); short protein forms Y148S, Y301S, Y337S, Y341S, Y370S.
Identifiers: ClinVar variation 1067387 (VCV001067387.16), dbSNP rs1323513432, ClinGen allele CA340817979.